The following is an entry in ClinVar:

ClinVar aggregate classification (germline): Pathogenic. Review status: criteria provided, multiple submitters, no conflicts (2 of 4 stars). 5 submissions from 5 submitters: Pathogenic (3). 2 of the submissions do not count toward it. Last evaluated 2024-10-22.

Conditions:
Multiple congenital anomalies-hypotonia-seizures syndrome 2 (MCAHS2). Also called: EPILEPTIC ENCEPHALOPATHY, EARLY INFANTILE, 20; GLYCOSYLPHOSPHATIDYLINOSITOL BIOSYNTHESIS DEFECT 4. Identifiers: Orphanet 300496, MedGen C3275508, MONDO:0010466, OMIM 300868.

Submissions (5):

Labcorp Genetics (formerly Invitae), Labcorp
Classification: Pathogenic for Multiple congenital anomalies-hypotonia-seizures syndrome 2. Last evaluated: 2024-10-22. Review status: criteria provided, single submitter. Criteria: Invitae Variant Classification Sherloc (09022015). Collection method: clinical testing. Allele origin: germline.
Comment: This sequence change creates a premature translational stop signal (p.Arg412*) in the PIGA gene. While this is not anticipated to result in nonsense mediated decay, it is expected to disrupt the last 73 amino acid(s) of the PIGA protein. This variant is not present in population databases (gnomAD no frequency). This premature translational stop signal has been observed in individuals with PIGA-related multiple congenital anomalies-hypotonia-seizures syndrome (PMID: 22305531, 24706016, 26545172). ClinVar contains an entry for this variant (Variation ID: 29988). Algorithms developed to predict the effect of variants on gene product structure and function are not available or were not evaluated for this variant. Experimental studies have shown that this premature translational stop signal affects PIGA function (PMID: 22305531, 28441409). For these reasons, this variant has been classified as Pathogenic.

GeneDx
Classification: Pathogenic. Last evaluated: 2020-09-02. Review status: criteria provided, single submitter. Criteria: GeneDx Variant Classification Process June 2021. Collection method: clinical testing. Allele origin: germline. Affected: yes.
Comment: Nonsense variant in the C-terminus predicted to result in protein truncation, as the last 73 amino acids are lost, and other loss-of-function variants have been reported downstream in the Human Gene Mutation Database (Stenson et al., 2014); Not observed in large population cohorts (Lek et al., 2016); This variant is associated with the following publications: (PMID: 23561846, 24784135, 22305531, 32562213, 28441409, 24706016, 26545172, 31704190, 32256299)

CeGaT Center for Human Genetics Tuebingen
Classification: Pathogenic. Last evaluated: 2018-06-01. Review status: criteria provided, single submitter. Criteria: CeGaT Center For Human Genetics Tuebingen Variant Classification Criteria Version 2. Collection method: clinical testing. Allele origin: germline. Affected: yes. Observed: 1 variant allele.

Biochemical Molecular Genetic Laboratory, King Abdulaziz Medical City
Classification: Pathogenic for Multiple congenital anomalies-hypotonia-seizures syndrome 2. Last evaluated: 2020-02-05. Review status: no assertion criteria provided. Collection method: clinical testing. Allele origin: germline. Affected: yes. Not counted in ClinVar's aggregate classification.

OMIM
Classification: Pathogenic for MULTIPLE CONGENITAL ANOMALIES-HYPOTONIA-SEIZURES SYNDROME 2. Last evaluated: 2014-05-06. Review status: no assertion criteria provided. Collection method: literature only. Allele origin: germline. Not counted in ClinVar's aggregate classification.

Literature cited by the submitters: PubMed 22305531 (cited by Labcorp Genetics (formerly Invitae), Labcorp and OMIM); PubMed 24706016 (cited by Labcorp Genetics (formerly Invitae), Labcorp and OMIM); PubMed 26545172 (cited by Labcorp Genetics (formerly Invitae), Labcorp and OMIM); PubMed 28441409 (cited by Labcorp Genetics (formerly Invitae), Labcorp); PubMed 8599356 (cited by OMIM).

NM_002641.4(PIGA):c.1234C>T (p.Arg412Ter)

Gene: PIGA (phosphatidylinositol glycan anchor biosynthesis class A; minus strand). Cytogenetic location: Xp22.2.
Variant type: single nucleotide variant.
Coding change: c.1234C>T on transcript NM_002641.4 (MANE Select); coding-DNA position 1234, C replaced by T.
Protein change: p.Arg412Ter; replaces arginine 412 with a stop codon.
Molecular consequence: nonsense. On other transcripts: non-coding transcript variant (2).
Genome position (GRCh38, 1-based): chrX:15,321,727, G>A on the plus strand (C>T on the coding strand, the complement: PIGA is on the minus strand). VCF-style: chrX-15321727-G-A. GRCh37 (hg19) VCF-style: chrX-15339849-G-A.
Other names: c.532C>T, p.Arg178Ter (NM_020473.3); short protein forms R412*, R178*.
Identifiers: ClinVar variation 29988 (VCV000029988.54), dbSNP rs387906726, ClinGen allele CA128816.